The following is an entry in ClinVar:

NM_000179.3(MSH6):c.2884A>G (p.Ile962Val)

Gene: MSH6 (mutS homolog 6; plus strand). Cytogenetic location: 2p16.3.
Variant type: single nucleotide variant.
Coding change: c.2884A>G on transcript NM_000179.3 (MANE Select); coding-DNA position 2884, A replaced by G.
Protein change: p.Ile962Val; replaces isoleucine 962 with valine.
Molecular consequence: missense variant.
Genome position (GRCh38, 1-based): chr2:47,800,867, A>G. VCF-style: chr2-47800867-A-G. GRCh37 (hg19) VCF-style: chr2-48028006-A-G.
Other names: c.2494A>G, p.Ile832Val (NM_001281492.2); c.1978A>G, p.Ile660Val (NM_001281493.2, NM_001281494.2); short protein forms I832V, I660V, I962V.
Identifiers: ClinVar variation 821932 (VCV000821932.5), dbSNP rs1572729104, ClinGen allele CA346756039.

ClinVar aggregate classification (germline): Uncertain significance. Review status: criteria provided, multiple submitters, no conflicts (2 of 4 stars). 2 submissions from 2 submitters: Uncertain significance (2). Last evaluated 2023-06-30.

Conditions:
Endometrial carcinoma. Also called: Endometrial carcinoma, somatic. Identifiers: MedGen C0476089, MONDO:0002447, OMIM 608089, HP:0012114.
Hereditary cancer-predisposing syndrome. Also called: Tumor predisposition; Hereditary Cancer Syndrome; Neoplastic Syndromes, Hereditary; Hereditary neoplastic syndrome. Identifiers: Orphanet 140162, MedGen C0027672, MeSH D009386, MONDO:0015356.

Allele frequency attached by ClinVar (database versions not stated): gnomAD exomes below 0.00001.
gnomAD v4.1: 1 of 1,613,816 alleles (0.000062%); highest among the groups gnomAD compares: Non-Finnish European, 0.000085%; no homozygotes.

Submissions (2):

Baylor Genetics
Classification: Uncertain significance for Endometrial carcinoma. Last evaluated: 2023-06-30. Review status: criteria provided, single submitter. Criteria: ACMG Guidelines, 2015. Collection method: clinical testing. Allele origin: unknown.

Ambry Genetics
Classification: Uncertain significance for Hereditary cancer-predisposing syndrome. Last evaluated: 2018-12-05. Review status: criteria provided, single submitter. Criteria: Ambry Variant Classification Scheme 2023. Collection method: clinical testing. Allele origin: germline.
Comment: The p.I962V variant (also known as c.2884A>G), located in coding exon 4 of the MSH6 gene, results from an A to G substitution at nucleotide position 2884. The isoleucine at codon 962 is replaced by valine, an amino acid with highly similar properties. This amino acid position is not well conserved in available vertebrate species. In addition, this alteration is predicted to be tolerated by in silico analysis. In addition, the CoDP in silico tool predicts this alteration to have minor impact on molecular function, with a score of 0.000 (Terui H et al. J. Biomed. Sci. 2013 Apr;20:25). Since supporting evidence is limited at this time, the clinical significance of this alteration remains unclear.